The following is an entry in ClinVar:

NM_004444.5(EPHB4):c.218T>G (p.Leu73Arg)

Gene: EPHB4 (EPH receptor B4; minus strand). Cytogenetic location: 7q22.1.
Variant type: single nucleotide variant.
Coding change: c.218T>G on transcript NM_004444.5 (MANE Select); coding-DNA position 218, T replaced by G.
Protein change: p.Leu73Arg; replaces leucine 73 with arginine.
Molecular consequence: missense variant.
Genome position (GRCh38, 1-based): chr7:100,823,837, A>C on the plus strand (T>G on the coding strand, the complement: EPHB4 is on the minus strand). VCF-style: chr7-100823837-A-C. GRCh37 (hg19) VCF-style: chr7-100421459-A-C.
Other names: short protein forms L73R.
Identifiers: ClinVar variation 2764012 (VCV002764012.3), dbSNP rs2485049729, ClinGen allele CA368584412.

ClinVar aggregate classification (germline): Uncertain significance (1 of 4 stars; one submission).

Submission:

Labcorp Genetics (formerly Invitae), Labcorp
Classification: Uncertain significance. Last evaluated: 2023-12-21. Review status: criteria provided, single submitter. Criteria: Invitae Variant Classification Sherloc (09022015). Collection method: clinical testing. Allele origin: germline.
Comment: This sequence change replaces leucine, which is neutral and non-polar, with arginine, which is basic and polar, at codon 73 of the EPHB4 protein (p.Leu73Arg). This variant is not present in population databases (gnomAD no frequency). This missense change has been observed in individual(s) with capillary malformations (Invitae). It has also been observed to segregate with disease in related individuals. Advanced modeling of protein sequence and biophysical properties (such as structural, functional, and spatial information, amino acid conservation, physicochemical variation, residue mobility, and thermodynamic stability) performed at Invitae indicates that this missense variant is expected to disrupt EPHB4 protein function with a positive predictive value of 80%. In summary, the available evidence is currently insufficient to determine the role of this variant in disease. Therefore, it has been classified as a Variant of Uncertain Significance.